The following is an entry in ClinVar:

ClinVar aggregate classification (germline): Conflicting classifications of pathogenicity. Review status: criteria provided, conflicting classifications (1 of 4 stars). 2 submissions from 2 submitters: Uncertain significance (1); Likely benign (1). Last evaluated 2023-01-27.

Conditions:
Hyperkalemic periodic paralysis. Also called: Familial hyperkalemic periodic paralysis; Gamstorp disease. Identifiers: Orphanet 682, MedGen C0238357, MONDO:0008224, OMIM 170500, HP:0007215.

Submissions (2):

Athena Diagnostics
Classification: Uncertain significance. Last evaluated: 2023-01-27. Review status: criteria provided, single submitter. Criteria: Athena Diagnostics Criteria. Collection method: clinical testing. Allele origin: unknown.
Comment: Available data are insufficient to determine the clinical significance of the variant at this time. This variant has not been reported in large, multi-ethnic general populations. Computational tools yielded predictions that this variant is unlikely to have an effect on normal RNA splicing.

Labcorp Genetics (formerly Invitae), Labcorp
Classification: Likely benign for Hyperkalemic periodic paralysis. Last evaluated: 2023-01-10. Review status: criteria provided, single submitter. Criteria: Invitae Variant Classification Sherloc (09022015). Collection method: clinical testing. Allele origin: germline.

NM_000334.4(SCN4A):c.5172G>A (p.Arg1724=)

Genes: GH-LCR (growth hormone locus control region; plus strand), SCN4A (sodium voltage-gated channel alpha subunit 4; minus strand). Cytogenetic location: 17q23.3.
Variant type: single nucleotide variant.
Coding change: c.5172G>A on transcript NM_000334.4 (MANE Select); coding-DNA position 5172, G replaced by A.
Protein change: p.Arg1724=; no amino-acid change (arginine 1724 retained).
Molecular consequence: synonymous variant.
Genome position (GRCh38, 1-based): chr17:63,941,110, C>T on the plus strand (G>A on the coding strand, the complement: SCN4A is on the minus strand). VCF-style: chr17-63941110-C-T. GRCh37 (hg19) VCF-style: chr17-62018470-C-T.
Identifiers: ClinVar variation 2684363 (VCV002684363.4), dbSNP rs2509283306, ClinGen allele CA501348247.